The following is an entry in ClinVar:

NM_138387.4(G6PC3):c.727G>A (p.Val243Met)

Gene: G6PC3 (glucose-6-phosphatase catalytic subunit 3; plus strand). Cytogenetic location: 17q21.31.
Variant type: single nucleotide variant.
Coding change: c.727G>A on transcript NM_138387.4 (MANE Select); coding-DNA position 727, G replaced by A.
Protein change: p.Val243Met; replaces valine 243 with methionine.
Molecular consequence: missense variant. On other transcripts: 3 prime UTR variant (1).
Genome position (GRCh38, 1-based): chr17:44,075,729, G>A. VCF-style: chr17-44075729-G-A. GRCh37 (hg19) VCF-style: chr17-42153097-G-A.
Other names: c.*20G>A (NM_001319945.2); c.382G>A, p.Val128Met (NM_001384165.1, NM_001384166.1, NM_001384167.1 and 1 more transcripts); short protein forms V243M, V128M.
Identifiers: ClinVar variation 323469 (VCV000323469.14), dbSNP rs140785361, ClinGen allele CA8596138.

ClinVar aggregate classification (germline): Conflicting classifications of pathogenicity. Review status: criteria provided, conflicting classifications (1 of 4 stars). 5 submissions from 5 submitters: Uncertain significance (3); Likely benign (2). Last evaluated 2025-03-10.

Conditions:
Autosomal recessive severe congenital neutropenia due to G6PC3 deficiency. Also called: G6PC3 Deficiency; NEUTROPENIA, SEVERE CONGENITAL, 4, AUTOSOMAL RECESSIVE. Identifiers: Orphanet 331176, MedGen C2751630, MONDO:0012930, OMIM 612541.
Inborn genetic diseases. Identifiers: MedGen C0950123, MeSH D030342.

Allele frequency attached by ClinVar (database versions not stated): ExAC 0.00007; gnomAD 0.00008 and 0.00009; gnomAD exomes 0.00008; TOPMed 0.00013; ESP Exome Variant Server 0.00015.
gnomAD v4.1: 132 of 1,612,642 alleles (0.0082%); highest among the groups gnomAD compares: Middle Eastern, 0.033%; no homozygotes.

Submissions (5):

GeneDx
Classification: Uncertain significance. Last evaluated: 2025-03-10. Review status: criteria provided, single submitter. Criteria: GeneDx Variant Classification Process June 2021. Collection method: clinical testing. Allele origin: germline. Affected: yes.
Comment: Not observed at significant frequency in large population cohorts (gnomAD); In silico analysis indicates that this missense variant does not alter protein structure/function; This variant is associated with the following publications: (PMID: 35982159, 33057194)

Labcorp Genetics (formerly Invitae), Labcorp
Classification: Uncertain significance for Autosomal recessive severe congenital neutropenia due to G6PC3 deficiency. Last evaluated: 2025-01-29. Review status: criteria provided, single submitter. Criteria: Invitae Variant Classification Sherloc (09022015). Collection method: clinical testing. Allele origin: germline.
Comment: This sequence change replaces valine, which is neutral and non-polar, with methionine, which is neutral and non-polar, at codon 243 of the G6PC3 protein (p.Val243Met). This variant is present in population databases (rs140785361, gnomAD 0.01%). This variant has not been reported in the literature in individuals affected with G6PC3-related conditions. ClinVar contains an entry for this variant (Variation ID: 323469). Invitae Evidence Modeling of protein sequence and biophysical properties (such as structural, functional, and spatial information, amino acid conservation, physicochemical variation, residue mobility, and thermodynamic stability) indicates that this missense variant is not expected to disrupt G6PC3 protein function with a negative predictive value of 95%. In summary, the available evidence is currently insufficient to determine the role of this variant in disease. Therefore, it has been classified as a Variant of Uncertain Significance.

Blueprint Genetics
Classification: Likely benign. Last evaluated: 2024-02-02. Review status: criteria provided, single submitter. Criteria: ACMG Guidelines, 2015. Collection method: clinical testing. Allele origin: germline.

Ambry Genetics
Classification: Likely benign for Inborn genetic diseases. Last evaluated: 2022-10-26. Review status: criteria provided, single submitter. Criteria: Ambry Variant Classification Scheme 2023. Collection method: clinical testing. Allele origin: germline.

Illumina Laboratory Services, Illumina
Classification: Uncertain significance for Autosomal recessive severe congenital neutropenia due to G6PC3 deficiency. Last evaluated: 2018-01-12. Review status: criteria provided, single submitter. Criteria: ICSL Variant Classification Criteria 13 December 2019. Collection method: clinical testing. Allele origin: germline.